The following is an entry in ClinVar:

ClinVar aggregate classification (germline): Uncertain significance (1 of 4 stars; one submission).

Allele frequency attached by ClinVar (database versions not stated): ExAC 0.00001; gnomAD exomes 0.00001.
gnomAD v4.1: 20 of 1,609,722 alleles (0.0012%); highest among the groups gnomAD compares: Non-Finnish European, 0.0016%; no homozygotes.

Submission:

Women's Health and Genetics/Laboratory Corporation of America, LabCorp
Classification: Uncertain significance. Last evaluated: 2022-11-04. Review status: criteria provided, single submitter. Criteria: LabCorp Variant Classification Summary - May 2015. Collection method: clinical testing. Allele origin: germline.
Comment: Variant summary: CHD4 c.3466-12G>A alters a non-conserved nucleotide located close to a canonical splice site and therefore could affect mRNA splicing, leading to a significantly altered protein sequence. 4 computational tools predict no significant impact on normal splicing. However, these predictions have yet to be confirmed by functional studies. The variant allele was found at a frequency of 8e-06 in 249726 control chromosomes (gnomAD). The available data on variant occurrences in the general population are insufficient to allow any conclusion about variant significance. To our knowledge, no occurrence of c.3466-12G>A in individuals affected with Sifrim-Hitz Syndrome and no experimental evidence demonstrating its impact on protein function have been reported. No clinical diagnostic laboratories have submitted clinical-significance assessments for this variant to ClinVar after 2014. Based on the evidence outlined above, the variant was classified as uncertain significance.

NM_001273.5(CHD4):c.3466-12G>A

Gene: CHD4 (chromodomain helicase DNA binding protein 4; minus strand). Cytogenetic location: 12p13.31.
Variant type: single nucleotide variant.
Coding change: c.3466-12G>A on transcript NM_001273.5 (MANE Select); 12 bases into the intron before coding-DNA position 3466, G replaced by A.
Molecular consequence: intron variant.
Genome position (GRCh38, 1-based): chr12:6,587,961, C>T on the plus strand (G>A on the coding strand, the complement: CHD4 is on the minus strand). VCF-style: chr12-6587961-C-T. GRCh37 (hg19) VCF-style: chr12-6697127-C-T.
Other names: c.3427-12G>A (NM_001363606.2); c.3445-12G>A (NM_001297553.2).
Identifiers: ClinVar variation 1804725 (VCV001804725.1), dbSNP rs779081069, ClinGen allele CA6411750.